The following is an entry in ClinVar:

ClinVar aggregate classification (germline): Uncertain significance (1 of 4 stars; one submission).

Submission:

Labcorp Genetics (formerly Invitae), Labcorp
Classification: Uncertain significance. Last evaluated: 2024-02-24. Review status: criteria provided, single submitter. Criteria: Invitae Variant Classification Sherloc (09022015). Collection method: clinical testing. Allele origin: germline.
Comment: This sequence change replaces glycine, which is neutral and non-polar, with alanine, which is neutral and non-polar, at codon 2629 of the EYS protein (p.Gly2629Ala). This variant is not present in population databases (gnomAD no frequency). This variant has not been reported in the literature in individuals affected with EYS-related conditions. ClinVar contains an entry for this variant (Variation ID: 1467228). Advanced modeling of protein sequence and biophysical properties (such as structural, functional, and spatial information, amino acid conservation, physicochemical variation, residue mobility, and thermodynamic stability) has been performed at Invitae for this missense variant, however the output from this modeling did not meet the statistical confidence thresholds required to predict the impact of this variant on EYS protein function. In summary, the available evidence is currently insufficient to determine the role of this variant in disease. Therefore, it has been classified as a Variant of Uncertain Significance.

NM_001142800.2(EYS):c.7886G>C (p.Gly2629Ala)

Gene: EYS (EGF-like photoreceptor maintenance factor; minus strand). Cytogenetic location: 6q12.
Variant type: single nucleotide variant.
Coding change: c.7886G>C on transcript NM_001142800.2 (MANE Select); coding-DNA position 7886, G replaced by C.
Protein change: p.Gly2629Ala; replaces glycine 2629 with alanine.
Molecular consequence: missense variant.
Genome position (GRCh38, 1-based): chr6:63,778,018, C>G on the plus strand (G>C on the coding strand, the complement: EYS is on the minus strand). VCF-style: chr6-63778018-C-G. GRCh37 (hg19) VCF-style: chr6-64487911-C-G.
Other names: c.7886G>C, p.Gly2629Ala (NM_001292009.2); short protein forms G2629A.
Identifiers: ClinVar variation 1467228 (VCV001467228.8), dbSNP rs2149664242, ClinGen allele CA364390423.